The following is an entry in ClinVar:

ClinVar aggregate classification (germline): Pathogenic (1 of 4 stars; one submission).

Conditions:
Autosomal dominant nonsyndromic hearing loss 51. Also called: CHROMOSOME 9q21.11 DUPLICATION SYNDROME; Deafness, autosomal dominant 51. Identifiers: Orphanet 90635, MedGen C3160736, MONDO:0013305, OMIM 613558.

Allele frequency attached by ClinVar (database versions not stated): TOPMed below 0.00001; gnomAD 0.00001; gnomAD exomes 0.00001; ExAC 0.00002.
gnomAD v4.1: 17 of 1,614,006 alleles (0.0011%); highest among the groups gnomAD compares: South Asian, 0.0011%; no homozygotes.

Submission:

Laboratory of Prof. Karen Avraham, Tel Aviv University
Classification: Pathogenic for Autosomal dominant nonsyndromic hearing loss 51. Last evaluated: 2024-06-10. Review status: criteria provided, single submitter. Criteria: ACMG Guidelines, 2015. Collection method: research. Allele origin: germline. Affected: yes. Observed: 1 variant allele.
Comment: A very rare variant predicted deleterious by most prediction programs. The type of HL is characteristic for this gene. Classified as pathogenic by Deafness Variation Database based on PMID: 29238877

DFNA51; high-tone HL

NM_004817.4(TJP2):c.2624T>C (p.Ile875Thr)

Gene: TJP2 (tight junction protein 2; plus strand). Cytogenetic location: 9q21.11.
Variant type: single nucleotide variant.
Coding change: c.2624T>C on transcript NM_004817.4 (MANE Select); coding-DNA position 2624, T replaced by C.
Protein change: p.Ile875Thr; replaces isoleucine 875 with threonine.
Molecular consequence: missense variant.
Genome position (GRCh38, 1-based): chr9:69,246,747, T>C. VCF-style: chr9-69246747-T-C. GRCh37 (hg19) VCF-style: chr9-71861663-T-C.
Other names: c.2555T>C, p.Ile852Thr (NM_001170414.2, NM_001369871.1); c.2636T>C, p.Ile879Thr (NM_001170415.1, NM_001369874.1, NM_001369875.1); c.2717T>C, p.Ile906Thr (NM_001170416.2); c.2549T>C, p.Ile850Thr (NM_001369870.1); c.2624T>C, p.Ile875Thr (NM_001369872.1, NM_001369873.1, NM_201629.3); short protein forms I850T, I852T, I875T, I879T, I906T.
Identifiers: ClinVar variation 3250406 (VCV003250406.1), dbSNP rs756322608.